The following is an entry in ClinVar:

ClinVar aggregate classification (germline): Uncertain significance (1 of 4 stars; one submission).

Conditions:
Short-rib thoracic dysplasia 8 with or without polydactyly (SRTD8). Also called: SHORT-RIB THORACIC DYSPLASIA 8 WITH POLYDACTYLY. Identifiers: Orphanet 93271, MedGen C3809691, MONDO:0014214, OMIM 615503.

Allele frequency attached by ClinVar (database versions not stated): TOPMed below 0.00001; gnomAD 0.00001.
gnomAD v4.1: 1 of 1,606,754 alleles (0.000062%); highest among the groups gnomAD compares: African/African-American, 0.0013%; no homozygotes.

Submission:

Labcorp Genetics (formerly Invitae), Labcorp
Classification: Uncertain significance for Short-rib thoracic dysplasia 8 with or without polydactyly. Last evaluated: 2022-06-30. Review status: criteria provided, single submitter. Criteria: Invitae Variant Classification Sherloc (09022015). Collection method: clinical testing. Allele origin: germline.
Comment: This sequence change replaces glycine, which is neutral and non-polar, with aspartic acid, which is acidic and polar, at codon 568 of the WDR60 protein (p.Gly568Asp). This variant is not present in population databases (gnomAD no frequency). This variant has not been reported in the literature in individuals affected with WDR60-related conditions. Algorithms developed to predict the effect of missense changes on protein structure and function are either unavailable or do not agree on the potential impact of this missense change (SIFT: "Tolerated"; PolyPhen-2: "Probably Damaging"; Align-GVGD: "Class C0"). Algorithms developed to predict the effect of sequence changes on RNA splicing suggest that this variant may disrupt the consensus splice site. In summary, the available evidence is currently insufficient to determine the role of this variant in disease. Therefore, it has been classified as a Variant of Uncertain Significance.

NM_018051.5(DYNC2I1):c.1703G>A (p.Gly568Asp)

Gene: DYNC2I1 (dynein 2 intermediate chain 1; plus strand). Cytogenetic location: 7q36.3.
Variant type: single nucleotide variant.
Coding change: c.1703G>A on transcript NM_018051.5 (MANE Select); coding-DNA position 1703, G replaced by A.
Protein change: p.Gly568Asp; replaces glycine 568 with aspartic acid.
Molecular consequence: missense variant.
Genome position (GRCh38, 1-based): chr7:158,914,233, G>A. VCF-style: chr7-158914233-G-A. GRCh37 (hg19) VCF-style: chr7-158706924-G-A.
Other names: c.1565G>A, p.Gly522Asp (NM_001350914.2); c.1130G>A, p.Gly377Asp (NM_001350915.2); c.242G>A, p.Gly81Asp (NM_001350916.2); c.455G>A, p.Gly152Asp (NM_001350917.2, NM_001350918.2); short protein forms G522D, G81D, G152D, G377D, G568D.
Identifiers: ClinVar variation 1908651 (VCV001908651.5), dbSNP rs1382486070, ClinGen allele CA370192037.